The following is an entry in ClinVar:

NM_020778.5(ALPK3):c.3997A>G (p.Ile1333Val)

Gene: ALPK3 (alpha kinase 3; plus strand). Cytogenetic location: 15q25.3.
Variant type: single nucleotide variant.
Coding change: c.3997A>G on transcript NM_020778.5 (MANE Select); coding-DNA position 3997, A replaced by G.
Protein change: p.Ile1333Val; replaces isoleucine 1333 with valine.
Molecular consequence: missense variant.
Genome position (GRCh38, 1-based): chr15:84,859,807, A>G. VCF-style: chr15-84859807-A-G. GRCh37 (hg19) VCF-style: chr15-85403038-A-G.
Other names: short protein forms I1333V.
Identifiers: ClinVar variation 1741833 (VCV001741833.8), dbSNP rs1176476769, ClinGen allele CA393361855.

ClinVar aggregate classification (germline): Uncertain significance. Review status: criteria provided, multiple submitters, no conflicts (2 of 4 stars). 3 submissions from 3 submitters: Uncertain significance (3). Last evaluated 2026-09-14.

Conditions:
ALPK3-related disorder. Also called: ALPK3-related condition.
Cardiovascular phenotype. Identifiers: MedGen CN230736.

Allele frequency attached by ClinVar (database versions not stated): TOPMed below 0.00001; gnomAD exomes 0.00001.
gnomAD v4.1: 9 of 1,613,692 alleles (0.00056%); highest among the groups gnomAD compares: Admixed American, 0.0033%; no homozygotes.

Submissions (3):

PreventionGenetics, part of Exact Sciences
Classification: Uncertain significance for ALPK3-related condition. Last evaluated: 2026-09-14. Review status: criteria provided, single submitter. Criteria: ACMG Guidelines, 2015. Collection method: clinical testing. Allele origin: germline.
Comment: The ALPK3 c.4603A>G variant is predicted to result in the amino acid substitution p.Ile1535Val. To our knowledge, this variant has not been reported in the literature. This variant is reported in 0.0058% of alleles in individuals of Latino descent in gnomAD. At this time, the clinical significance of this variant is uncertain due to the absence of conclusive functional and genetic evidence.

Labcorp Genetics (formerly Invitae), Labcorp
Classification: Uncertain significance. Last evaluated: 2025-03-30. Review status: criteria provided, single submitter. Criteria: Invitae Variant Classification Sherloc (09022015). Collection method: clinical testing. Allele origin: germline.
Comment: This sequence change replaces isoleucine, which is neutral and non-polar, with valine, which is neutral and non-polar, at codon 1535 of the ALPK3 protein (p.Ile1535Val). This variant is present in population databases (no rsID available, gnomAD 0.006%). This variant has not been reported in the literature in individuals affected with ALPK3-related conditions. ClinVar contains an entry for this variant (Variation ID: 1741833). Invitae Evidence Modeling of protein sequence and biophysical properties (such as structural, functional, and spatial information, amino acid conservation, physicochemical variation, residue mobility, and thermodynamic stability) has been performed for this missense variant. However, the output from this modeling did not meet the statistical confidence thresholds required to predict the impact of this variant on ALPK3 protein function. In summary, the available evidence is currently insufficient to determine the role of this variant in disease. Therefore, it has been classified as a Variant of Uncertain Significance.

Ambry Genetics
Classification: Uncertain significance for Cardiovascular phenotype. Last evaluated: 2023-11-04. Review status: criteria provided, single submitter. Criteria: Ambry Variant Classification Scheme 2023. Collection method: clinical testing. Allele origin: germline.
Comment: The p.I1535V variant (also known as c.4603A>G), located in coding exon 8 of the ALPK3 gene, results from an A to G substitution at nucleotide position 4603. The isoleucine at codon 1535 is replaced by valine, an amino acid with highly similar properties. This amino acid position is conserved. In addition, this alteration is predicted to be tolerated by in silico analysis. Since supporting evidence is limited at this time, the clinical significance of this alteration remains unclear.